The following is an entry in ClinVar:

ClinVar aggregate classification (germline): Uncertain significance (1 of 4 stars; one submission).

Allele frequency attached by ClinVar (database versions not stated): gnomAD 0.00001; gnomAD exomes 0.00001.
gnomAD v4.1: 11 of 1,595,428 alleles (0.00069%); highest among the groups gnomAD compares: Admixed American, 0.0037%; no homozygotes.

Submission:

Labcorp Genetics (formerly Invitae), Labcorp
Classification: Uncertain significance. Last evaluated: 2022-03-12. Review status: criteria provided, single submitter. Criteria: Invitae Variant Classification Sherloc (09022015). Collection method: clinical testing. Allele origin: germline.
Comment: This sequence change falls in intron 4 of the TRMT5 gene. It does not directly change the encoded amino acid sequence of the TRMT5 protein. It affects a nucleotide within the consensus splice site. This variant is present in population databases (no rsID available, gnomAD 0.004%). This variant has not been reported in the literature in individuals affected with TRMT5-related conditions. Variants that disrupt the consensus splice site are a relatively common cause of aberrant splicing (PMID: 17576681, 9536098). Algorithms developed to predict the effect of sequence changes on RNA splicing suggest that this variant may disrupt the consensus splice site. In summary, the available evidence is currently insufficient to determine the role of this variant in disease. Therefore, it has been classified as a Variant of Uncertain Significance.

Literature cited by the submitters: PubMed 17576681; PubMed 9536098.

NM_020810.3(TRMT5):c.1445-3C>G

Gene: TRMT5 (tRNA methyltransferase 5; minus strand). Cytogenetic location: 14q23.1.
Variant type: single nucleotide variant.
Coding change: c.1445-3C>G on transcript NM_020810.3 (MANE Select); 3 bases into the intron before coding-DNA position 1445, C replaced by G.
Molecular consequence: intron variant.
Genome position (GRCh38, 1-based): chr14:60,975,197, G>C on the plus strand (C>G on the coding strand, the complement: TRMT5 is on the minus strand). VCF-style: chr14-60975197-G-C. GRCh37 (hg19) VCF-style: chr14-61441915-G-C.
Other names: c.1529-3C>G (NM_001350253.1); c.1526-3C>G (NM_001350254.1).
Identifiers: ClinVar variation 2151295 (VCV002151295.1), dbSNP rs1160598622, ClinGen allele CA614387065.